The following is an entry in ClinVar:

ClinVar aggregate classification (germline): Likely benign (1 of 4 stars; one submission).

Allele frequency attached by ClinVar (database versions not stated): gnomAD exomes 0.00019; ExAC 0.00060; 1000 Genomes Project 0.00180; ESP Exome Variant Server 0.00200; gnomAD 0.00200; 1000 Genomes Project 30x 0.00219; TOPMed 0.00232.
gnomAD v4.1: 582 of 1,614,034 alleles (0.036%); highest among the groups gnomAD compares: African/African-American, 0.72%; no homozygotes.

Submission:

CeGaT Center for Human Genetics Tuebingen
Classification: Likely benign. Last evaluated: 2023-04-01. Review status: criteria provided, single submitter. Criteria: CeGaT Center For Human Genetics Tuebingen Variant Classification Criteria Version 2. Collection method: clinical testing. Allele origin: germline. Affected: yes. Observed: 1 variant allele.
Comment: RBBP6: BP4, BP7

NM_006910.5(RBBP6):c.5064C>T (p.Ser1688=)

Gene: RBBP6 (RB binding protein 6, ubiquitin ligase; plus strand). Cytogenetic location: 16p12.1.
Variant type: single nucleotide variant.
Coding change: c.5064C>T on transcript NM_006910.5 (MANE Select); coding-DNA position 5064, C replaced by T.
Protein change: p.Ser1688=; no amino-acid change (serine 1688 retained).
Molecular consequence: synonymous variant.
Genome position (GRCh38, 1-based): chr16:24,572,130, C>T. VCF-style: chr16-24572130-C-T. GRCh37 (hg19) VCF-style: chr16-24583451-C-T.
Other names: c.4962C>T, p.Ser1654= (NM_018703.4).
Identifiers: ClinVar variation 2646333 (VCV002646333.24), dbSNP rs35709935, ClinGen allele CA7968056.
Genomic context (GRCh38, chr16:24,572,130, plus strand): 5'-AATAGTGGAGAAAGCAAAAGAGAGCCTGGACACAGCAGCAGTTGTCCAGGTGGGCATAAG[C>T]AGGAATCAGAGCCACAGCAGCCCCAGCGTCAGCCCCAGCAGAAGCCACAGTCCTTCTGGA-3'
Protein context (NP_008841.2, residues 1678-1698): DTAAVVQVGI[Ser1688=]RNQSHSSPSV